The following is an entry in ClinVar:

NM_004990.4(MARS1):c.822C>T (p.Tyr274=)

Gene: MARS1 (methionyl-tRNA synthetase 1; plus strand). Cytogenetic location: 12q13.3.
Variant type: single nucleotide variant.
Coding change: c.822C>T on transcript NM_004990.4 (MANE Select); coding-DNA position 822, C replaced by T.
Protein change: p.Tyr274=; no amino-acid change (tyrosine 274 retained).
Molecular consequence: synonymous variant.
Genome position (GRCh38, 1-based): chr12:57,498,208, C>T. VCF-style: chr12-57498208-C-T. GRCh37 (hg19) VCF-style: chr12-57891991-C-T.
Other names: c.822C>T (NM_004990.3).
Identifiers: ClinVar variation 2157558 (VCV002157558.5), dbSNP rs373991803, ClinGen allele CA6650310.

ClinVar aggregate classification (germline): Likely benign. Review status: criteria provided, multiple submitters, no conflicts (2 of 4 stars). 2 submissions from 2 submitters: Likely benign (2). Last evaluated 2025-07-15.

Conditions:
MARS1-related disorder. Also called: MARS1-related condition.
Severe early-onset pulmonary alveolar proteinosis due to MARS deficiency. Also called: PULMONARY ALVEOLAR PROTEINOSIS, REUNION ISLAND; Interstitial lung and liver disease. Identifiers: Orphanet 440427, MedGen C4225400, MONDO:0014206, OMIM 615486.
Charcot-Marie-Tooth disease axonal type 2U. Also called: CHARCOT-MARIE-TOOTH NEUROPATHY, TYPE 2U; CHARCOT-MARIE-TOOTH DISEASE, AXONAL, AUTOSOMAL DOMINANT, TYPE 2U. Identifiers: Orphanet 397735, MedGen C4084821, MONDO:0014566, OMIM 616280.

Allele frequency attached by ClinVar (database versions not stated): ExAC 0.00002; ESP Exome Variant Server 0.00008.
gnomAD v4.1: 18 of 1,614,208 alleles (0.0011%); highest among the groups gnomAD compares: East Asian, 0.0045%; no homozygotes.

Submissions (2):

PreventionGenetics, part of Exact Sciences
Classification: Likely benign for MARS1-related condition. Last evaluated: 2025-07-15. Review status: criteria provided, single submitter. Criteria: ACMG Guidelines, 2015. Collection method: clinical testing. Allele origin: germline.
Comment: This variant is classified as likely benign based on ACMG/AMP sequence variant interpretation guidelines (Richards et al. 2015 PMID: 25741868, with internal and published modifications).

Labcorp Genetics (formerly Invitae), Labcorp
Classification: Likely benign for Charcot-Marie-Tooth disease axonal type 2U; Severe early-onset pulmonary alveolar proteinosis due to MARS deficiency. Last evaluated: 2025-03-18. Review status: criteria provided, single submitter. Criteria: Invitae Variant Classification Sherloc (09022015). Collection method: clinical testing. Allele origin: germline.